The following is an entry in ClinVar:

NM_001242896.3(DEPDC5):c.189G>T (p.Gln63His)

Gene: DEPDC5 (DEP domain containing 5, GATOR1 subcomplex subunit; plus strand). Cytogenetic location: 22q12.2.
Variant type: single nucleotide variant.
Coding change: c.189G>T on transcript NM_001242896.3 (MANE Select); coding-DNA position 189, G replaced by T.
Protein change: p.Gln63His; replaces glutamine 63 with histidine.
Molecular consequence: missense variant. On other transcripts: non-coding transcript variant (5).
Genome position (GRCh38, 1-based): chr22:31,760,698, G>T. VCF-style: chr22-31760698-G-T. GRCh37 (hg19) VCF-style: chr22-32156684-G-T.
Other names: c.189G>T, p.Gln63His (NM_001007188.4, NM_001136029.4, NM_001242897.2 and 9 more transcripts); short protein forms Q63H.
Identifiers: ClinVar variation 3363348 (VCV003363348.1).
Genomic context (GRCh38, chr22:31,760,698, plus strand): 5'-TGTTGCTTTCTTTTTCAGCCCTCTGCTTTTGCAGGTCAAGTCTCTTAAGGAAGATTTACA[G>T]AAGGGTAAGAATTATATCACTCTTCTTAGAATTTTTTATTTACTGCCTCAGAAACTGTAA-3'
Protein context (NP_001229825.1, residues 53-73): LQVKSLKEDL[Gln63His]KETISVDQTV

ClinVar aggregate classification (germline): Uncertain significance (1 of 4 stars; one submission).

Submission:

GeneDx
Classification: Uncertain significance. Last evaluated: 2023-10-23. Review status: criteria provided, single submitter. Criteria: GeneDx Variant Classification Process June 2021. Collection method: clinical testing. Allele origin: germline. Affected: yes.
Comment: Not observed at significant frequency in large population cohorts (gnomAD); In silico analysis supports that this missense variant has a deleterious effect on protein structure/function; Has not been previously published as pathogenic or benign to our knowledge